The following is an entry in ClinVar:

ClinVar aggregate classification (germline): Pathogenic/Likely pathogenic. Review status: criteria provided, multiple submitters, no conflicts (2 of 4 stars). 3 submissions from 3 submitters: Pathogenic (2); Likely pathogenic (1). Last evaluated 2024-03-26.

Conditions:
Stromme syndrome (STROMS). Also called: APPLE PEEL SYNDROME WITH MICROCEPHALY AND OCULAR ANOMALIES; Ciliary dyskinesia, primary, 31; Strømme Syndrome. Identifiers: Orphanet 444069, Orphanet 506307, MedGen C1855705, MONDO:0009477, OMIM 243605.
CENPF-related disorder. Also called: CENPF-related condition.

Submissions (3):

Genomic Medicine Center of Excellence, King Faisal Specialist Hospital and Research Centre
Classification: Pathogenic for Stromme syndrome. Last evaluated: 2024-03-26. Review status: criteria provided, single submitter. Criteria: ACMG Guidelines, 2015. Collection method: clinical testing. Allele origin: germline.

Blueprint Genetics
Classification: Likely pathogenic for CENPF-related disorders. Last evaluated: 2019-12-18. Review status: criteria provided, single submitter. Criteria: ACMG Guidelines, 2015. Collection method: clinical testing. Allele origin: germline. Affected: yes. Observed: 1 variant allele.

GeneDx
Classification: Pathogenic. Last evaluated: 2015-12-12. Review status: criteria provided, single submitter. Criteria: GeneDx Variant Classification (06012015). Collection method: clinical testing. Allele origin: germline. Affected: yes.
Comment: The c.8033dupT pathogenic variant in the CENPF gene has not been reported previously as a pathogenic variant nor as a benign variant, to our knowledge. This variant causes a frameshift starting with codon Aspartic Acid 2679, changes this amino acid to an Arginine residue, and creates a premature Stop codon at position 20 of the new reading frame, denoted p.Asp2679ArgfsX20. This variant is predicted to cause loss of normal protein function either through protein truncation or nonsense-mediated mRNA decay. The c.8033dupT variant was not observed in approximately 6500 individuals of European and African American ancestry in the NHLBI Exome Sequencing Project, indicating it is not a common benign variant in these populations. We interpret c.8033dupT as a pathogenic variant.

NM_016343.4(CENPF):c.8033dup (p.Asp2679fs)

Gene: CENPF (centromere protein F; plus strand). Cytogenetic location: 1q41.
Variant type: Duplication.
Coding change: c.8033dup on transcript NM_016343.4 (MANE Select); coding-DNA position 8033, one base duplicated (T; older notation c.8033dupT).
Protein change: p.Asp2679fs; shifts the reading frame from aspartic acid 2679.
Molecular consequence: frameshift variant.
Genome position (GRCh38, 1-based): chr1:214,651,759, T duplicated. VCF-style (leftmost placement, unchanged base first): chr1-214651758-C-CT. GRCh37 (hg19) VCF-style: chr1-214825101-C-CT.
Other names: short protein forms D2679fs.
Identifiers: ClinVar variation 280183 (VCV000280183.5), dbSNP rs886041436, ClinGen allele CA10602774.